The following is an entry in ClinVar:

NM_002860.4(ALDH18A1):c.847C>T (p.Leu283Phe)

Gene: ALDH18A1 (aldehyde dehydrogenase 18 family member A1; minus strand). Cytogenetic location: 10q24.1.
Variant type: single nucleotide variant.
Coding change: c.847C>T on transcript NM_002860.4 (MANE Select); coding-DNA position 847, C replaced by T.
Protein change: p.Leu283Phe; replaces leucine 283 with phenylalanine.
Molecular consequence: missense variant.
Genome position (GRCh38, 1-based): chr10:95,628,454, G>A on the plus strand (C>T on the coding strand, the complement: ALDH18A1 is on the minus strand). VCF-style: chr10-95628454-G-A. GRCh37 (hg19) VCF-style: chr10-97388211-G-A.
Other names: c.841C>T, p.Leu281Phe (NM_001017423.2, NM_001323415.2); c.514C>T, p.Leu172Phe (NM_001323412.2, NM_001323416.2); c.847C>T, p.Leu283Phe (NM_001323413.2, NM_001323414.2); c.742C>T, p.Leu248Phe (NM_001323417.2); c.508C>T, p.Leu170Phe (NM_001323418.2); c.211C>T, p.Leu71Phe (NM_001323419.2); short protein forms L283F, L170F, L172F, L248F, L71F, L281F.
Identifiers: ClinVar variation 566189 (VCV000566189.14), dbSNP rs747291828, ClinGen allele CA5620492.
Genomic context (GRCh38, chr10:95,628,454, plus strand): 5'-CTCTAGACTTGGTTCCAAATGTCACAGACTGCTGATCTCCGGGATAAAATATATCAATAA[G>A]CTTTGCATCATCTGAACCTGGGGGGCTGTCAAAAAGGCCTAAAAAATAGACAAGAGTCAG-3'
Protein context (NP_002851.2, residues 273-293): DSPPGSDDAK[Leu283Phe]IDIFYPGDQQ

ClinVar aggregate classification (germline): Uncertain significance. Review status: criteria provided, multiple submitters, no conflicts (2 of 4 stars). 3 submissions from 3 submitters: Uncertain significance (3). Last evaluated 2025-09-02.

Conditions:
de Barsy syndrome. Also called: Cutis laxa-corneal clouding-oligophrenia syndrome. Identifiers: Orphanet 2962, MedGen C0268354, MONDO:0017569.
Autosomal dominant spastic paraplegia type 9. Identifiers: MedGen C1832669, MONDO:0015091.
Cutis laxa, autosomal dominant 3 (ADCL3). Identifiers: Orphanet 90348, MedGen C4225268, MONDO:0014706, OMIM 616603.
Hereditary spastic paraplegia. Also called: Familial spastic paraparesis. Identifiers: Orphanet 685, MedGen C0037773, MONDO:0019064. Disease mechanism: loss of function.

Allele frequency attached by ClinVar (database versions not stated): ExAC 0.00002; gnomAD exomes 0.00002; TOPMed 0.00002; gnomAD 0.00003 and 0.00004.
gnomAD v4.1: 101 of 1,613,854 alleles (0.0063%); highest among the groups gnomAD compares: Non-Finnish European, 0.0081%; no homozygotes.

Submissions (3):

Labcorp Genetics (formerly Invitae), Labcorp
Classification: Uncertain significance for Autosomal dominant spastic paraplegia type 9; de Barsy syndrome; Cutis laxa, autosomal dominant 3. Last evaluated: 2025-09-02. Review status: criteria provided, single submitter. Criteria: Invitae Variant Classification Sherloc (09022015). Collection method: clinical testing. Allele origin: germline.
Comment: This sequence change replaces leucine, which is neutral and non-polar, with phenylalanine, which is neutral and non-polar, at codon 283 of the ALDH18A1 protein (p.Leu283Phe). This variant is present in population databases (rs747291828, gnomAD 0.004%). This variant has not been reported in the literature in individuals affected with ALDH18A1-related conditions. ClinVar contains an entry for this variant (Variation ID: 566189). Invitae Evidence Modeling of protein sequence and biophysical properties (such as structural, functional, and spatial information, amino acid conservation, physicochemical variation, residue mobility, and thermodynamic stability) has been performed for this missense variant. However, the output from this modeling did not meet the statistical confidence thresholds required to predict the impact of this variant on ALDH18A1 protein function. In summary, the available evidence is currently insufficient to determine the role of this variant in disease. Therefore, it has been classified as a Variant of Uncertain Significance.

Revvity Omics, Revvity
Classification: Uncertain significance. Last evaluated: 2025-03-28. Review status: criteria provided, single submitter. Criteria: ACMG Guidelines, 2015. Collection method: clinical testing. Allele origin: germline.

Genome Diagnostics Laboratory, The Hospital for Sick Children
Classification: Uncertain significance for Hereditary spastic paraplegia. Last evaluated: 2018-04-17. Review status: criteria provided, single submitter. Criteria: ACMG Guidelines, 2015. Collection method: clinical testing. Allele origin: germline. Affected: yes.